The following is an entry in ClinVar:

NM_017807.4(OSGEP):c.838C>T (p.Arg280Cys)

Gene: OSGEP (O-sialoglycoprotein endopeptidase; minus strand). Cytogenetic location: 14q11.2.
Variant type: single nucleotide variant.
Coding change: c.838C>T on transcript NM_017807.4 (MANE Select); coding-DNA position 838, C replaced by T.
Protein change: p.Arg280Cys; replaces arginine 280 with cysteine.
Molecular consequence: missense variant.
Genome position (GRCh38, 1-based): chr14:20,447,646, G>A on the plus strand (C>T on the coding strand, the complement: OSGEP is on the minus strand). VCF-style: chr14-20447646-G-A. GRCh37 (hg19) VCF-style: chr14-20915805-G-A.
Other names: short protein forms R280C.
Identifiers: ClinVar variation 444892 (VCV000444892.12), dbSNP rs374322839, ClinGen allele CA7081069.
Genomic context (GRCh38, chr14:20,447,646, plus strand): 5'-AAAAGAAACCAAAGGGAAAGTGTCTTTACCTCTCATCTGTAGCAAAAAGCCGGGCTCCAC[G>A]TTCCTGGCACATTGTTGCCATCATCTCCTGTAGCCTCACATTACCTACAAAGAGGCAGGG-3'
Protein context (NP_060277.1, residues 270-290): QEMMATMCQE[Arg280Cys]GARLFATDER

ClinVar aggregate classification (germline): Pathogenic/Likely pathogenic. Review status: criteria provided, multiple submitters, no conflicts (2 of 4 stars). 8 submissions from 8 submitters: Pathogenic (1); Likely pathogenic (6). 1 of the submissions does not count toward it. Last evaluated 2026-03-11.

Conditions:
OSGEP-related disorder. Also called: OSGEP-related condition.
Inborn genetic diseases. Identifiers: MedGen C0950123, MeSH D030342.
Galloway-Mowat syndrome 3. Identifiers: MedGen C4540266, MONDO:0033007, OMIM 617729.
Neurodevelopmental disorder. Identifiers: MedGen C1535926, MeSH D065886, MONDO:0700092.

Allele frequency attached by ClinVar (database versions not stated): gnomAD exomes 0.00003 and 0.00005; ExAC 0.00004; TOPMed 0.00004; gnomAD 0.00005; ESP Exome Variant Server 0.00008.

Submissions (8):

Clinical Genetics Laboratory, Skane University Hospital Lund
Classification: Pathogenic for Neurodevelopmental disorder. Last evaluated: 2026-03-11. Review status: criteria provided, single submitter. Criteria: ACMG Guidelines, 2015. Collection method: clinical testing. Allele origin: germline. Inheritance: Autosomal recessive inheritance. Affected: yes.
Comment: OSGEP (NM_017807.4) c.838C>T, p.(Arg280Cys) represents a nucleotide substitution resulting in the amino acid change indicated above. This variant has not been observed in the homozygous state in the general population; however, heterozygous carrier status is observed with a global allele frequency of 0.005% (gnomAD v4.1.0). The variant has previously been reported as likely pathogenic/pathogenic in the ClinVar database and has been published and shown to be functionally deleterious by Braun et al., 2017 (PMID: 28805828). Other missense variants affecting the same amino acid position (280) are annotated in ClinVar: p.Arg280His, pathogenic ; and p.Arg280Leu, likely pathogenic . The variant OSGEP c.838C>T, p.(Arg280Cys) has been classified as pathogenic according to the following ACMG criteria: PS3, PM2, PM3_strong, and PM5.

Women's Health and Genetics/Laboratory Corporation of America, LabCorp
Classification: Likely pathogenic for Galloway-Mowat syndrome 3. Last evaluated: 2024-04-10. Review status: criteria provided, single submitter. Criteria: LabCorp Variant Classification Summary - May 2015. Collection method: clinical testing. Allele origin: germline.
Comment: Variant summary: OSGEP c.838C>T (p.Arg280Cys) results in a non-conservative amino acid change located in the Gcp-like domain (IPR000905) of the encoded protein sequence. Five of five in-silico tools predict a damaging effect of the variant on protein function. The variant allele was found at a frequency of 3.2e-05 in 251262 control chromosomes. c.838C>T has been reported in the literature at a compound heterozygous state along with a second pathogenic missense in at-least one individual affected with Galloway-Mowat Syndrome 3 (Braun_2017). These data do not allow any conclusion about variant significance. At least one publication reports experimental evidence evaluating an impact on protein function. The most pronounced variant effect results in significantly reduced proliferation rate to rescue the growth delay phenotype by OSGEP Knockdown in human immortalized podocytes (Braun_2017). The following publication has been ascertained in the context of this evaluation (PMID: 28805828). ClinVar contains an entry for this variant (Variation ID: 444892). Based on the evidence outlined above, the variant was classified as likely pathogenic.

GeneDx
Classification: Likely pathogenic. Last evaluated: 2024-02-05. Review status: criteria provided, single submitter. Criteria: GeneDx Variant Classification Process June 2021. Collection method: clinical testing. Allele origin: germline. Affected: yes.
Comment: Published functional studies demonstrate a damaging effect (hypomorphic allele) (PMID: 28805828); In silico analysis supports that this missense variant has a deleterious effect on protein structure/function; This variant is associated with the following publications: (PMID: 28805828)

Blueprint Genetics
Classification: Likely pathogenic for OSGEP-related disorders. Last evaluated: 2023-05-22. Review status: criteria provided, single submitter. Criteria: ACMG Guidelines, 2015. Collection method: clinical testing. Allele origin: germline. Affected: yes. Observed: 1 variant allele.

Greenwood Genetic Center Diagnostic Laboratories, Greenwood Genetic Center
Classification: Likely pathogenic for Galloway-Mowat syndrome 3. Last evaluated: 2022-02-23. Review status: criteria provided, single submitter. Criteria: ACMG Guidelines, 2015. Collection method: clinical testing. Allele origin: germline. Affected: yes.
Comment: PS3_Moderate, PM2, PM3, PP1, PP3

Labcorp Genetics (formerly Invitae), Labcorp
Classification: Likely pathogenic. Last evaluated: 2022-02-19. Review status: criteria provided, single submitter. Criteria: Invitae Variant Classification Sherloc (09022015). Collection method: clinical testing. Allele origin: germline.
Comment: This sequence change replaces arginine, which is basic and polar, with cysteine, which is neutral and slightly polar, at codon 280 of the OSGEP protein (p.Arg280Cys). This variant is present in population databases (rs374322839, gnomAD 0.006%). This missense change has been observed in individual(s) with Galloway‚ÄìMowat syndrome (PMID: 28805828). In at least one individual the data is consistent with being in trans (on the opposite chromosome) from a pathogenic variant. ClinVar contains an entry for this variant (Variation ID: 444892). Algorithms developed to predict the effect of missense changes on protein structure and function are either unavailable or do not agree on the potential impact of this missense change (SIFT: "Deleterious"; PolyPhen-2: "Probably Damaging"; Align-GVGD: "Class C15"). Experimental studies have shown that this missense change affects OSGEP function (PMID: 28805828). This variant disrupts the p.Arg280 amino acid residue in OSGEP. Other variant(s) that disrupt this residue have been observed in individuals with OSGEP-related conditions (PMID: 28805828), which suggests that this may be a clinically significant amino acid residue. In summary, the currently available evidence indicates that the variant is pathogenic, but additional data are needed to prove that conclusively. Therefore, this variant has been classified as Likely Pathogenic.

Ambry Genetics
Classification: Likely pathogenic for Inborn genetic diseases. Last evaluated: 2018-08-27. Review status: criteria provided, single submitter. Criteria: Ambry exome assertion method (8-5-2015). Collection method: clinical testing. Allele origin: germline. Affected: yes. Observed: 1 variant allele.

OMIM
Classification: Pathogenic for GALLOWAY-MOWAT SYNDROME 3. Last evaluated: 2017-10-26. Review status: no assertion criteria provided. Collection method: literature only. Allele origin: germline. Not counted in ClinVar's aggregate classification.

Literature cited by the submitters: PubMed 28805828 (cited by 4 submitters).